The following is an entry in ClinVar:

NM_000264.5(PTCH1):c.3327C>T (p.Gly1109=)

Gene: PTCH1 (patched 1; minus strand). Cytogenetic location: 9q22.32.
Variant type: single nucleotide variant.
Coding change: c.3327C>T on transcript NM_000264.5 (MANE Select); coding-DNA position 3327, C replaced by T.
Protein change: p.Gly1109=; no amino-acid change (glycine 1109 retained).
Molecular consequence: synonymous variant. On other transcripts: non-coding transcript variant (1).
Genome position (GRCh38, 1-based): chr9:95,453,600, G>A on the plus strand (C>T on the coding strand, the complement: PTCH1 is on the minus strand). VCF-style: chr9-95453600-G-A. GRCh37 (hg19) VCF-style: chr9-98215882-G-A.
Other names: c.3129C>T, p.Gly1043= (NM_001083602.3); c.3324C>T, p.Gly1108= (NM_001083603.3); c.2874C>T, p.Gly958= (NM_001083604.3, NM_001083605.3, NM_001083606.3 and 1 more transcripts); c.3171C>T, p.Gly1057= (NM_001354918.2); c.3327C>T (NM_000264.3).
Identifiers: ClinVar variation 1021838 (VCV001021838.31), dbSNP rs779950790, ClinGen allele CA5138168.

ClinVar aggregate classification (germline): Benign/Likely benign. Review status: criteria provided, multiple submitters, no conflicts (2 of 4 stars). 6 submissions from 6 submitters: Benign (2); Likely benign (3). 1 of the submissions does not count toward it. Last evaluated 2025-11-05.

Conditions:
Gorlin syndrome. Also called: Nevoid Basal Cell Carcinoma Syndrome; Basal cell nevus syndrome. Identifiers: Orphanet 377, MedGen C0004779, MONDO:0007187.
PTCH1-related disorder. Also called: PTCH1-related disorders; PTCH1-related condition.
Hereditary cancer-predisposing syndrome. Also called: Tumor predisposition; Hereditary neoplastic syndrome; Neoplastic Syndromes, Hereditary; Hereditary Cancer Syndrome. Identifiers: Orphanet 140162, MedGen C0027672, MeSH D009386, MONDO:0015356.

Allele frequency attached by ClinVar (database versions not stated): ExAC 0.00001; gnomAD 0.00001; gnomAD exomes 0.00001 and 0.00002; TOPMed 0.00001.
gnomAD v4.1: 12 of 1,613,696 alleles (0.00074%); highest among the groups gnomAD compares: South Asian, 0.0033%; no homozygotes.

Submissions (6):

Labcorp Genetics (formerly Invitae), Labcorp
Classification: Benign for Gorlin syndrome. Last evaluated: 2025-11-05. Review status: criteria provided, single submitter. Criteria: Invitae Variant Classification Sherloc (09022015). Collection method: clinical testing. Allele origin: germline.

Laboratory of Genetics, Children's Clinical University Hospital Latvia
Classification: Benign. Last evaluated: 2025-02-16. Review status: criteria provided, single submitter. Criteria: ACMG Guidelines, 2015. Collection method: clinical testing. Allele origin: germline. Affected: yes.

CeGaT Center for Human Genetics Tuebingen
Classification: Likely benign. Last evaluated: 2024-06-01. Review status: criteria provided, single submitter. Criteria: CeGaT Center For Human Genetics Tuebingen Variant Classification Criteria Version 2. Collection method: clinical testing. Allele origin: germline. Affected: yes. Observed: 1 variant allele.
Comment: PTCH1: BP4, BP7

Blueprint Genetics
Classification: Likely benign. Last evaluated: 2024-01-05. Review status: criteria provided, single submitter. Criteria: ACMG Guidelines, 2015. Collection method: clinical testing. Allele origin: germline.

Ambry Genetics
Classification: Likely benign for Hereditary cancer-predisposing syndrome. Last evaluated: 2022-12-16. Review status: criteria provided, single submitter. Criteria: Ambry Variant Classification Scheme 2023. Collection method: clinical testing. Allele origin: germline.

PreventionGenetics, part of Exact Sciences
Classification: Likely benign for PTCH1-related condition. Last evaluated: 2022-06-20. Review status: no assertion criteria provided. Collection method: clinical testing. Allele origin: germline. Not counted in ClinVar's aggregate classification.
Comment: This variant is classified as likely benign based on ACMG/AMP sequence variant interpretation guidelines (Richards et al. 2015 PMID: 25741868, with internal and published modifications).